The following is an entry in ClinVar:

ClinVar aggregate classification (germline): Pathogenic/Likely pathogenic. Review status: criteria provided, multiple submitters, no conflicts (2 of 4 stars). 4 submissions from 4 submitters: Pathogenic (2); Likely pathogenic (2). Last evaluated 2024-08-30.

Conditions:
ADSL-related disorder. Also called: ADSL-related condition.
Adenylosuccinate lyase deficiency (ADSLD). Also called: ADSL DEFICIENCY. Identifiers: Orphanet 46, MedGen C0268126, MONDO:0007068, OMIM 103050.

Allele frequency attached by ClinVar (database versions not stated): gnomAD 0.00001; TOPMed 0.00002; gnomAD exomes 0.00003; ExAC 0.00004.
gnomAD v4.1: 44 of 1,613,886 alleles (0.0027%); highest among the groups gnomAD compares: Non-Finnish European, 0.0037%; no homozygotes.

Submissions (4):

GeneDx
Classification: Likely pathogenic. Last evaluated: 2024-08-30. Review status: criteria provided, single submitter. Criteria: GeneDx Variant Classification Process June 2021. Collection method: clinical testing. Allele origin: germline. Affected: yes.
Comment: Published functional studies demonstrate deformation and destabilization of the protein resulting in decreased enzymatic activity of approximately 50% (PMID: 20127976); Reported in unrelated individuals with adenylosuccinate lyase deficiency who also harbored another ADSL variant (PMID: 10958654, 20127976, 33648541, 35586607); In silico analysis suggests this variant may impact gene splicing. In the absence of RNA/functional studies, the actual effect of this sequence change is unknown.; Not observed at significant frequency in large population cohorts (gnomAD); This variant is associated with the following publications: (PMID: 16839792, 10958654, 20127976, 11783532, 33648541, 35586607)

Genetics Laboratory, UDIAT-Centre Diagnòstic, Hospital Universitari Parc Tauli
Classification: Pathogenic for adenylosuccinate lyase deficiency. Last evaluated: 2023-03-31. Review status: criteria provided, single submitter. Criteria: ACMG Guidelines, 2015. Collection method: clinical testing. Allele origin: unknown. Inheritance: Autosomal recessive inheritance. Affected: yes.
Comment: PS3_strong;PS4_moderate;PM2_supporting;PM3_moderate;PP4_supporting

Blueprint Genetics
Classification: Likely pathogenic for ADSL-related disorders. Last evaluated: 2023-01-24. Review status: criteria provided, single submitter. Criteria: ACMG Guidelines, 2015. Collection method: clinical testing. Allele origin: germline. Affected: yes. Observed: 4 variant alleles.

Revvity Omics, Revvity
Classification: Pathogenic for Adenylosuccinate lyase deficiency. Last evaluated: 2019-07-01. Review status: criteria provided, single submitter. Criteria: ACMG Guidelines, 2015. Collection method: clinical testing. Allele origin: germline.

NM_000026.4(ADSL):c.1349C>G (p.Thr450Ser)

Gene: ADSL (adenylosuccinate lyase; plus strand). Cytogenetic location: 22q13.1.
Variant type: single nucleotide variant.
Coding change: c.1349C>G on transcript NM_000026.4 (MANE Select); coding-DNA position 1349, C replaced by G.
Protein change: p.Thr450Ser; replaces threonine 450 with serine.
Molecular consequence: missense variant. On other transcripts: non-coding transcript variant (1), intron variant (1).
Genome position (GRCh38, 1-based): chr22:40,365,037, C>G. VCF-style: chr22-40365037-C-G. GRCh37 (hg19) VCF-style: chr22-40761041-C-G.
Other names: p.T450S:ACT>AGT; c.1157C>G, p.Thr386Ser (NM_001317923.2); c.1349C>G, p.Thr450Ser (NM_001363840.3); c.1191+672C>G (NM_001123378.3); short protein forms T450S, T386S.
Identifiers: ClinVar variation 204816 (VCV000204816.10), dbSNP rs372895468, ClinGen allele CA313145.